The following is an entry in ClinVar:

ClinVar aggregate classification (germline): Uncertain significance (1 of 4 stars; one submission).

Conditions:
Werner syndrome (WRN). Identifiers: Orphanet 902, MedGen C0043119, MONDO:0010196, OMIM 277700.

Submission:

Labcorp Genetics (formerly Invitae), Labcorp
Classification: Uncertain significance for Werner syndrome. Last evaluated: 2022-09-21. Review status: criteria provided, single submitter. Criteria: Invitae Variant Classification Sherloc (09022015). Collection method: clinical testing. Allele origin: germline.
Comment: This variant is not present in population databases (gnomAD no frequency). In summary, the available evidence is currently insufficient to determine the role of this variant in disease. Therefore, it has been classified as a Variant of Uncertain Significance. Algorithms developed to predict the effect of sequence changes on RNA splicing suggest that this variant may create or strengthen a splice site. Algorithms developed to predict the effect of missense changes on protein structure and function are either unavailable or do not agree on the potential impact of this missense change (SIFT: "Not Available"; PolyPhen-2: "Possibly Damaging"; Align-GVGD: "Not Available"). ClinVar contains an entry for this variant (Variation ID: 1004371). This variant has not been reported in the literature in individuals affected with WRN-related conditions. This sequence change replaces isoleucine, which is neutral and non-polar, with phenylalanine, which is neutral and non-polar, at codon 638 of the WRN protein (p.Ile638Phe).

NM_000553.6(WRN):c.1912A>T (p.Ile638Phe)

Gene: WRN (WRN RecQ like helicase; plus strand). Cytogenetic location: 8p12.
Variant type: single nucleotide variant.
Coding change: c.1912A>T on transcript NM_000553.6 (MANE Select); coding-DNA position 1912, A replaced by T.
Protein change: p.Ile638Phe; replaces isoleucine 638 with phenylalanine.
Molecular consequence: missense variant.
Genome position (GRCh38, 1-based): chr8:31,096,781, A>T. VCF-style: chr8-31096781-A-T. GRCh37 (hg19) VCF-style: chr8-30954297-A-T.
Other names: short protein forms I638F.
Identifiers: ClinVar variation 1004371 (VCV001004371.5), dbSNP rs1814003280, ClinGen allele CA370929599.
Genomic context (GRCh38, chr8:31,096,781, plus strand): 5'-CCTTCCTGTTTTTTTTTTTTTCTTTTTTCTTTTGTTTGTTTTTACAGAGGTAAATACCGG[A>T]TTGTATACGTAACTCCAGAATACTGTTCAGGTAACATGGGCCTGCTCCAGCAACTTGAGG-3'
Protein context (NP_000544.2, residues 628-648): LTDIKLGKYR[Ile638Phe]VYVTPEYCSG